The following is an entry in ClinVar:

NM_020988.3(GNAO1):c.683T>C (p.Leu228Pro)

Gene: GNAO1 (G protein subunit alpha o1; plus strand). Cytogenetic location: 16q13.
Variant type: single nucleotide variant.
Coding change: c.683T>C on transcript NM_020988.3 (MANE Select); coding-DNA position 683, T replaced by C.
Protein change: p.Leu228Pro; replaces leucine 228 with proline.
Molecular consequence: missense variant.
Genome position (GRCh38, 1-based): chr16:56,336,820, T>C. VCF-style: chr16-56336820-T-C. GRCh37 (hg19) VCF-style: chr16-56370732-T-C.
Other names: c.683T>C, p.Leu228Pro (NM_138736.3); short protein forms L228P.
Identifiers: ClinVar variation 427060 (VCV000427060.2), dbSNP rs1085307932, ClinGen allele CA395952336.
Genomic context (GRCh38, chr16:56,336,820, plus strand): 5'-AACGCAAGAAGTGGATCCATTGCTTCGAGGACGTCACGGCCATCATTTTCTGTGTCGCGC[T>C]CAGCGGCTATGACCAGGTGCTCCACGAAGACGAAACCACGGTGAGTGGCCTGGGCCCCCC-3'
Protein context (NP_066268.1, residues 218-238): DVTAIIFCVA[Leu228Pro]SGYDQVLHED

ClinVar aggregate classification (germline): Likely pathogenic (1 of 4 stars; one submission).

Submission:

GeneDx
Classification: Likely pathogenic. Last evaluated: 2015-07-16. Review status: criteria provided, single submitter. Criteria: GeneDx Variant Classification (06012015). Collection method: clinical testing. Allele origin: germline. Affected: yes.
Comment: The L228P variant in the GNAO1 gene has not been published as a pathogenic variant, nor has it been reported as a benign polymorphism to our knowledge. The L228P variant was not observed in approximately 6500 individuals of European and African American ancestry in the NHLBI Exome Sequencing Project, indicating it is not a common benign variant in these populations. The L228P variant is a semi-conservative amino acid substitution, which may impact secondary protein structure as these residues differ in some properties. This substitution occurs at a position that is conserved across species, and in silico analysis predicts this variant is probably damaging to the protein structure/function. The L228P variant is a strong candidate for a disease-causing variant however the possibility it may be a rare benign variant cannot be excluded.